The following is an entry in ClinVar:

ClinVar aggregate classification (germline): Uncertain significance (1 of 4 stars; one submission).

Conditions:
Multiple acyl-CoA dehydrogenase deficiency (MADD). Also called: Glutaric acidemia type II; GA 2; Glutaric aciduria, type 2; ETHYLMALONIC-ADIPICACIDURIA; GA II; Glutaric Acidemia type 2. Identifiers: Orphanet 26791, MedGen C0268596, MONDO:0009282, OMIM 231680.

Submission:

Labcorp Genetics (formerly Invitae), Labcorp
Classification: Uncertain significance for Multiple acyl-CoA dehydrogenase deficiency. Last evaluated: 2024-04-04. Review status: criteria provided, single submitter. Criteria: Invitae Variant Classification Sherloc (09022015). Collection method: clinical testing. Allele origin: germline.
Comment: This sequence change replaces glutamic acid, which is acidic and polar, with alanine, which is neutral and non-polar, at codon 354 of the ETFDH protein (p.Glu354Ala). This variant is not present in population databases (gnomAD no frequency). This variant has not been reported in the literature in individuals affected with ETFDH-related conditions. ClinVar contains an entry for this variant (Variation ID: 1468877). Advanced modeling of protein sequence and biophysical properties (such as structural, functional, and spatial information, amino acid conservation, physicochemical variation, residue mobility, and thermodynamic stability) performed at Invitae indicates that this missense variant is not expected to disrupt ETFDH protein function with a negative predictive value of 80%. In summary, the available evidence is currently insufficient to determine the role of this variant in disease. Therefore, it has been classified as a Variant of Uncertain Significance.

NM_004453.4(ETFDH):c.1061A>C (p.Glu354Ala)

Gene: ETFDH (electron transfer flavoprotein dehydrogenase; plus strand). Cytogenetic location: 4q32.1.
Variant type: single nucleotide variant.
Coding change: c.1061A>C on transcript NM_004453.4 (MANE Select); coding-DNA position 1061, A replaced by C.
Protein change: p.Glu354Ala; replaces glutamic acid 354 with alanine.
Molecular consequence: missense variant.
Genome position (GRCh38, 1-based): chr4:158,699,075, A>C. VCF-style: chr4-158699075-A-C. GRCh37 (hg19) VCF-style: chr4-159620227-A-C.
Other names: c.920A>C, p.Glu307Ala (NM_001281737.2); c.878A>C, p.Glu293Ala (NM_001281738.1); short protein forms E354A, E293A, E307A.
Identifiers: ClinVar variation 1468877 (VCV001468877.8), dbSNP rs2150312279, ClinGen allele CA358562235.
Genomic context (GRCh38, chr4:158,699,075, plus strand): 5'-TGAGTCCATTTAGAGAGTTCCAAAGGTGGAAACACCATCCTAGCATTCGGCCAACCTTGG[A>C]AGGTGGAAAAAGGATTGCATACGGAGCCAGAGCTCTCAATGAAGGTGGCTTTCAGGTAAC-3'
Protein context (NP_004444.2, residues 344-364): KHHPSIRPTL[Glu354Ala]GGKRIAYGAR